The following is an entry in ClinVar:

ClinVar aggregate classification (germline): Uncertain significance (1 of 4 stars; one submission).

Conditions:
Usher syndrome type 3B. Also called: USHER SYNDROME, TYPE IIIB. Identifiers: MedGen C3281066, MONDO:0013788, OMIM 614504.

Allele frequency attached by ClinVar (database versions not stated): gnomAD exomes below 0.00001.

Submission:

Labcorp Genetics (formerly Invitae), Labcorp
Classification: Uncertain significance for Usher syndrome type 3B. Last evaluated: 2024-04-03. Review status: criteria provided, single submitter. Criteria: Invitae Variant Classification Sherloc (09022015). Collection method: clinical testing. Allele origin: germline.
Comment: This sequence change replaces serine, which is neutral and polar, with asparagine, which is neutral and polar, at codon 27 of the HARS protein (p.Ser27Asn). This variant is not present in population databases (gnomAD no frequency). This variant has not been reported in the literature in individuals affected with HARS-related conditions. ClinVar contains an entry for this variant (Variation ID: 2068936). Algorithms developed to predict the effect of missense changes on protein structure and function output the following: SIFT: "Not Available"; PolyPhen-2: "Benign"; Align-GVGD: "Not Available". The asparagine amino acid residue is found in multiple mammalian species, which suggests that this missense change does not adversely affect protein function. In summary, the available evidence is currently insufficient to determine the role of this variant in disease. Therefore, it has been classified as a Variant of Uncertain Significance.

NM_002109.6(HARS1):c.80G>A (p.Ser27Asn)

Genes: HARS1 (histidyl-tRNA synthetase 1; minus strand), LOC129994848 (ATAC-STARR-seq lymphoblastoid active region 23285; plus strand). Cytogenetic location: 5q31.3.
Variant type: single nucleotide variant.
Coding change: c.80G>A on transcript NM_002109.6 (MANE Select); coding-DNA position 80, G replaced by A.
Protein change: p.Ser27Asn; replaces serine 27 with asparagine.
Molecular consequence: missense variant. On other transcripts: intron variant (1).
Genome position (GRCh38, 1-based): chr5:140,691,225, C>T on the plus strand (G>A on the coding strand, the complement: HARS1 is on the minus strand). VCF-style: chr5-140691225-C-T. GRCh37 (hg19) VCF-style: chr5-140070810-C-T.
Other names: c.80G>A, p.Ser27Asn (NM_001258040.3, NM_001258041.3, NM_001258042.3 and 2 more transcripts); c.3+77G>A (NM_001289094.2); short protein forms S27N.
Identifiers: ClinVar variation 2068936 (VCV002068936.4), dbSNP rs2481343717, ClinGen allele CA361191645.
Genomic context (GRCh38, chr5:140,691,225, plus strand): 5'-CGTCCTCCCAGGCTTTGCCTTGGCCCTCTCCCCTGCTGCCTAAATCTCACCAGCTCGGCG[C>T]TGGCCTTCTGCTGCTTGAGGCCTCGCACGCGCTCTCCCTGAAGTTTCACCAGCTCCTCCA-3'
Protein context (NP_002100.2, residues 17-37): RVRGLKQQKA[Ser27Asn]AELIEEEVAK